The following is an entry in ClinVar:

ClinVar aggregate classification (germline): Pathogenic. Review status: reviewed by expert panel (3 of 4 stars). 8 submissions from 8 submitters: Pathogenic (1). 7 of the submissions do not count toward it. Last evaluated 2023-08-25.

Conditions:
CDH1-related diffuse gastric and lobular breast cancer syndrome. Also called: CDH1-related diffuse gastric and lobular breast cancer. Identifiers: MedGen CN311521, MONDO:0100488.
Hereditary cancer-predisposing syndrome. Also called: Tumor predisposition; Hereditary Cancer Syndrome; Hereditary neoplastic syndrome; Neoplastic Syndromes, Hereditary. Identifiers: Orphanet 140162, MedGen C0027672, MeSH D009386, MONDO:0015356.
Hereditary diffuse gastric adenocarcinoma (HDGC). Also called: DIFFUSE GASTRIC AND LOBULAR BREAST CANCER SYNDROME. Identifiers: Orphanet 26106, MedGen C1708349, MONDO:0007648, OMIM 137215.
Familial cancer of breast. Also called: BREAST CANCER, FAMILIAL; hereditary breast carcinoma; Hereditary breast cancer. Identifiers: Orphanet 227535, MedGen C0346153, MONDO:0016419, OMIM 114480. Disease mechanism: loss of function.

Allele frequency attached by ClinVar (database versions not stated): TOPMed below 0.00001; ESP Exome Variant Server 0.00008.

Submissions (8):

Clingen Gastric Cancer Variant Curation Expert Panel
Classification: Pathogenic for CDH1-related diffuse gastric and lobular breast cancer syndrome. Last evaluated: 2023-08-25. Review status: reviewed by expert panel. Criteria: ClinGen CDH1 ACMG Specifications V3.1. Collection method: curation. Allele origin: germline. Inheritance: Autosomal dominant inheritance.
Comment: The c.1979dup p.(Asp662Ter) variant is predicted to result in a premature stop codon that leads to a truncated or absent protein (PVS1, PM5_Supporting). This variant is absent in the gnomAD cohort (PM2_Supporting). The variant has been reported in at least one family meeting HDGC clinical criteria (PS4_Supporting; PMID: 26681312). In summary, this variant meets criteria to be classified as pathogenic based on the ACMG/AMP criteria applied as specified by the CDH1 Variant Curation Expert Panel (Variant Interpretation Guidelines Version 3.1): PVS1, PM2_Supporting, PS4_Supporting, PM5_Supporting.

Labcorp Genetics (formerly Invitae), Labcorp
Classification: Pathogenic for Hereditary diffuse gastric adenocarcinoma. Last evaluated: 2025-10-06. Review status: criteria provided, single submitter. Criteria: Invitae Variant Classification Sherloc (09022015). Collection method: clinical testing. Allele origin: germline. Not counted in ClinVar's aggregate classification.
Comment: This sequence change creates a premature translational stop signal (p.Asp662*) in the CDH1 gene. It is expected to result in an absent or disrupted protein product. Loss-of-function variants in CDH1 are known to be pathogenic (PMID: 15235021, 20373070). This variant is not present in population databases (gnomAD no frequency). This premature translational stop signal has been observed in individual(s) with clinical features of hereditary diffuse gastric cancer (PMID: 26681312, 31296550). ClinVar contains an entry for this variant (Variation ID: 182376). RNA analysis performed to evaluate the impact of this premature translational stop signal on mRNA splicing indicates it does not significantly alter splicing (internal data). For these reasons, this variant has been classified as Pathogenic.

Mayo Clinic Laboratories, Mayo Clinic
Classification: Pathogenic. Last evaluated: 2025-06-24. Review status: criteria provided, single submitter. Criteria: ACMG Guidelines, 2015. Collection method: clinical testing. Allele origin: germline. Observed: 1 variant allele. Not counted in ClinVar's aggregate classification.
Comment: PM2_supporting, PM5_supporting, PS4_supporting, PVS1

Quest Diagnostics Nichols Institute San Juan Capistrano
Classification: Pathogenic. Last evaluated: 2025-05-14. Review status: criteria provided, single submitter. Criteria: Quest Diagnostics criteria. Collection method: clinical testing. Allele origin: unknown. Not counted in ClinVar's aggregate classification.
Comment: The CDH1 c.1979dup (p.Asp662*) variant alters the translational reading frame of the CDH1 mRNA and causes the premature termination of CDH1 protein synthesis. This variant has been reported in the published literature in individuals with breast cancer (PMID: 35172483 (2017), 32427313 (2020), 31296550 (2019)). This variant has also been identified in reportedly unaffected individuals (PMID: 32427313 (2020), 31296550 (2019)). This variant has not been reported in large, multi-ethnic general populations (Genome Aggregation Database). Based on the available information, this variant is classified as pathogenic.

Myriad Genetics, Inc.
Classification: Pathogenic for Hereditary diffuse gastric adenocarcinoma. Last evaluated: 2023-06-15. Review status: criteria provided, single submitter. Criteria: Myriad Autosomal Dominant, Autosomal Recessive and X-Linked Classification Criteria (2023). Collection method: clinical testing. Allele origin: unknown. Not counted in ClinVar's aggregate classification.
Comment: This variant is considered pathogenic. This variant creates a termination codon and is predicted to result in premature protein truncation.

Ambry Genetics
Classification: Pathogenic for Hereditary cancer-predisposing syndrome. Last evaluated: 2023-04-06. Review status: criteria provided, single submitter. Criteria: Ambry Variant Classification Scheme 2023. Collection method: clinical testing. Allele origin: germline. Not counted in ClinVar's aggregate classification.
Comment: The c.1979dupT pathogenic mutation (also known as p.D662*), located in coding exon 13 of the CDH1 gene, results from a duplication of T at nucleotide position 1979. This changes the amino acid from a aspartic acid to a stop codon within coding exon 13. This alteration is expected to result in loss of function by premature protein truncation or nonsense-mediated mRNA decay. As such, this alteration is interpreted as a disease-causing mutation.

Baylor Genetics
Classification: Pathogenic for Familial cancer of breast. Last evaluated: 2022-01-31. Review status: criteria provided, single submitter. Criteria: ACMG Guidelines, 2015. Collection method: clinical testing. Allele origin: unknown. Not counted in ClinVar's aggregate classification.

Color Diagnostics, LLC DBA Color Health
Classification: Pathogenic for Hereditary cancer-predisposing syndrome. Last evaluated: 2020-03-17. Review status: criteria provided, single submitter. Criteria: ACMG Guidelines, 2015. Collection method: clinical testing. Allele origin: germline. Not counted in ClinVar's aggregate classification.
Comment: This variant inserts 1 nucleotide in exon 13 of the CDH1 gene, creating a frameshift and premature translation stop signal. This variant is expected to result in an absent or non-functional protein product. This variant has been reported in multiple African American individuals affected with breast cancer, including two individuals with lobular cancer (PMID: 31296550). All of these individuals were from families not meeting hereditary diffuse gastric cancer criteria. This variant has also been reported in an individual affected with lobular breast cancer with family history of breast, ovarian and throat cancer (Lowstuter et al. 2017). This variant has not been identified in the general population by the Genome Aggregation Database (gnomAD). Loss of CDH1 function is a known mechanism of disease. Based on the available evidence, this variant is classified as Pathogenic.

Literature cited by the submitters: PubMed 15235021 (cited by Labcorp Genetics (formerly Invitae), Labcorp); PubMed 20373070 (cited by Labcorp Genetics (formerly Invitae), Labcorp); PubMed 26681312 (cited by 3 submitters); PubMed 31296550 (cited by 3 submitters); PubMed 32427313 (cited by Mayo Clinic Laboratories, Mayo Clinic and Quest Diagnostics Nichols Institute San Juan Capistrano); PubMed 36063148 (cited by Mayo Clinic Laboratories, Mayo Clinic and Quest Diagnostics Nichols Institute San Juan Capistrano); PubMed 35172483 (cited by Quest Diagnostics Nichols Institute San Juan Capistrano).

NM_004360.5(CDH1):c.1979dup (p.Gly661_Asp662insTer)

Gene: CDH1 (cadherin 1; plus strand). Cytogenetic location: 16q22.1.
Variant type: Duplication.
Coding change: c.1979dup on transcript NM_004360.5 (MANE Select); coding-DNA position 1979, one base duplicated (T; older notation c.1979dupT).
Protein change: p.Gly661_Asp662insTer.
Molecular consequence: frameshift variant.
Genome position (GRCh38, 1-based): chr16:68,823,441, T duplicated. VCF-style (leftmost placement, unchanged base first): chr16-68823440-G-GT. GRCh37 (hg19) VCF-style: chr16-68857343-G-GT.
Other names: p.Asp662*; c.1979dup (LRG_301t1, NM_004360.3); c.1796dup, p.Gly600_Asp601insTer (NM_001317184.2); c.431dup, p.Gly145_Asp146insTer (NM_001317185.2); c.14dup, p.Gly6_Asp7insTer (NM_001317186.2).
Identifiers: ClinVar variation 182376 (VCV000182376.22), dbSNP rs730881653, ClinGen allele CA298940.